The following is an entry in ClinVar:

ClinVar aggregate classification (germline): Uncertain significance. Review status: criteria provided, multiple submitters, no conflicts (2 of 4 stars). 2 submissions from 2 submitters: Uncertain significance (2). Last evaluated 2023-03-23.

Conditions:
Breast-ovarian cancer, familial, susceptibility to, 2 (BROVCA2). Also called: BRCA2 Hereditary Breast and Ovarian Cancer. Identifiers: Orphanet 145, MedGen C2675520, MONDO:0012933, OMIM 612555. Disease mechanism: loss of function.
Hereditary breast ovarian cancer syndrome. Also called: Hereditary breast and ovarian cancer syndrome (HBOC); Hereditary breast and ovarian cancer; Hereditary breast and ovarian cancer syndrome; Breast and ovarian cancer; Hereditary breast and/or ovarian cancer syndrome; BRCA1- and BRCA2-Associated Hereditary Breast and Ovarian Cancer. Identifiers: Orphanet 145, MedGen C0677776, MeSH D061325, MONDO:0003582. Disease mechanism: loss of function.

gnomAD v4.1: 1 of 1,613,346 alleles (0.000062%); highest among the groups gnomAD compares: Non-Finnish European, 0.000085%; no homozygotes.

Submissions (2):

All of Us Research Program, National Institutes of Health
Classification: Uncertain significance for Breast-ovarian cancer, familial, susceptibility to, 2. Last evaluated: 2023-03-23. Review status: criteria provided, single submitter. Criteria: ACMG Guidelines, 2015. Collection method: clinical testing. Allele origin: germline. Inheritance: Autosomal dominant inheritance. Observed: 1 variant allele, 1 heterozygote.
Comment: This missense variant replaces leucine with methionine at codon 2972 of the BRCA2 protein. Computational prediction suggests that this variant may not impact protein structure and function (internally defined REVEL score threshold <= 0.5, PMID: 27666373). To our knowledge, functional studies have not been reported for this variant. This variant has not been reported in individuals affected with BRCA2-related disorders in the literature. This variant has not been identified in the general population by the Genome Aggregation Database (gnomAD). The available evidence is insufficient to determine the role of this variant in disease conclusively. Therefore, this variant is classified as a Variant of Uncertain Significance.

This study involves interpretation of variants in research participants for the purpose of population health screening. Participant phenotype was not available at the time of variant classification. Additional details can be found in publication PMID: 35346344, PMCID: PMC8962531

Labcorp Genetics (formerly Invitae), Labcorp
Classification: Uncertain significance for Hereditary breast ovarian cancer syndrome. Last evaluated: 2022-09-26. Review status: criteria provided, single submitter. Criteria: Invitae Variant Classification Sherloc (09022015). Collection method: clinical testing. Allele origin: germline.
Comment: This sequence change replaces leucine, which is neutral and non-polar, with methionine, which is neutral and non-polar, at codon 2972 of the BRCA2 protein (p.Leu2972Met). This variant is not present in population databases (gnomAD no frequency). This variant has not been reported in the literature in individuals affected with BRCA2-related conditions. Advanced modeling of protein sequence and biophysical properties (such as structural, functional, and spatial information, amino acid conservation, physicochemical variation, residue mobility, and thermodynamic stability) performed at Invitae indicates that this missense variant is not expected to disrupt BRCA2 protein function. In summary, the available evidence is currently insufficient to determine the role of this variant in disease. Therefore, it has been classified as a Variant of Uncertain Significance.

NM_000059.4(BRCA2):c.8914T>A (p.Leu2972Met)

Gene: BRCA2 (BRCA2 DNA repair associated; plus strand). Cytogenetic location: 13q13.1.
Variant type: single nucleotide variant.
Coding change: c.8914T>A on transcript NM_000059.4 (MANE Select); coding-DNA position 8914, T replaced by A.
Protein change: p.Leu2972Met; replaces leucine 2972 with methionine.
Molecular consequence: missense variant.
Genome position (GRCh38, 1-based): chr13:32,379,476, T>A. VCF-style: chr13-32379476-T-A. GRCh37 (hg19) VCF-style: chr13-32953613-T-A.
Other names: c.8818T>A, p.Leu2940Met (NM_001406719.1); c.8914T>A, p.Leu2972Met (NM_001406720.1); c.3982T>A, p.Leu1328Met (NM_001406721.1); c.2497T>A, p.Leu833Met (NM_001406722.1); short protein forms L1328M, L2940M, L833M, L2972M.
Identifiers: ClinVar variation 2094509 (VCV002094509.5), dbSNP rs1555288398, ClinGen allele CA387757272.
Genomic context (GRCh38, chr13:32,379,476, plus strand): 5'-ATGGAATCTGCTGAACAAAAGGAACAAGGTTTATCAAGGGATGTCACAACCGTGTGGAAG[T>A]TGCGTATTGTAAGCTATTCAAAAAAAGAAAAAGATTCAGGTAAGTATGTAAATGCTTTGT-3'
Protein context (NP_000050.3, residues 2962-2982): LSRDVTTVWK[Leu2972Met]RIVSYSKKEK